The following is an entry in ClinVar:

NM_024079.5(ALG8):c.1117T>G (p.Ser373Ala)

Gene: ALG8 (ALG8 alpha-1,3-glucosyltransferase; minus strand). Cytogenetic location: 11q14.1.
Variant type: single nucleotide variant.
Coding change: c.1117T>G on transcript NM_024079.5 (MANE Select); coding-DNA position 1117, T replaced by G.
Protein change: p.Ser373Ala; replaces serine 373 with alanine.
Molecular consequence: missense variant.
Genome position (GRCh38, 1-based): chr11:78,106,868, A>C on the plus strand (T>G on the coding strand, the complement: ALG8 is on the minus strand). VCF-style: chr11-78106868-A-C. GRCh37 (hg19) VCF-style: chr11-77817914-A-C.
Other names: c.1117T>G, p.Ser373Ala (NM_001007027.3); short protein forms S373A.
Identifiers: ClinVar variation 1311986 (VCV001311986.2), dbSNP rs558379335, ClinGen allele CA382112831.

ClinVar aggregate classification (germline): Uncertain significance (1 of 4 stars; one submission).

Submission:

GeneDx
Classification: Uncertain significance. Last evaluated: 2020-01-06. Review status: criteria provided, single submitter. Criteria: GeneDx Variant Classification Process June 2021. Collection method: clinical testing. Allele origin: germline. Affected: yes.
Comment: Not observed at a significant frequency in large population cohorts (Lek et al., 2016); In silico analysis, which includes protein predictors and evolutionary conservation, supports a deleterious effect; Has not been previously published as pathogenic or benign to our knowledge